The following is an entry in ClinVar:

NM_020433.5(JPH2):c.739A>G (p.Ser247Gly)

Gene: JPH2 (junctophilin 2; minus strand). Cytogenetic location: 20q13.12.
Variant type: single nucleotide variant.
Coding change: c.739A>G on transcript NM_020433.5 (MANE Select); coding-DNA position 739, A replaced by G.
Protein change: p.Ser247Gly; replaces serine 247 with glycine.
Molecular consequence: missense variant.
Genome position (GRCh38, 1-based): chr20:44,160,048, T>C on the plus strand (A>G on the coding strand, the complement: JPH2 is on the minus strand). VCF-style: chr20-44160048-T-C. GRCh37 (hg19) VCF-style: chr20-42788688-T-C.
Other names: short protein forms S247G.
Identifiers: ClinVar variation 1718017 (VCV001718017.5), dbSNP rs2515744788, ClinGen allele CA409093779.

ClinVar aggregate classification (germline): Uncertain significance (1 of 4 stars; one submission).

Conditions:
Hypertrophic cardiomyopathy. Also called: HYPERTROPHIC MYOCARDIOPATHY. Identifiers: Orphanet 217569, MedGen C0007194, MeSH D002312, MONDO:0005045, HP:0001639.

Allele frequency attached by ClinVar (database versions not stated): gnomAD exomes below 0.00001.
gnomAD v4.1: 6 of 1,549,520 alleles (0.00039%); highest among the groups gnomAD compares: Non-Finnish European, 0.00052%; no homozygotes.

Submission:

Labcorp Genetics (formerly Invitae), Labcorp
Classification: Uncertain significance for Hypertrophic cardiomyopathy. Last evaluated: 2022-08-25. Review status: criteria provided, single submitter. Criteria: Invitae Variant Classification Sherloc (09022015). Collection method: clinical testing. Allele origin: germline.
Comment: In summary, the available evidence is currently insufficient to determine the role of this variant in disease. Therefore, it has been classified as a Variant of Uncertain Significance. Algorithms developed to predict the effect of missense changes on protein structure and function are either unavailable or do not agree on the potential impact of this missense change (SIFT: "Tolerated"; PolyPhen-2: "Probably Damaging"; Align-GVGD: "Class C0"). This variant has not been reported in the literature in individuals affected with JPH2-related conditions. This variant is not present in population databases (gnomAD no frequency). This sequence change replaces serine, which is neutral and polar, with glycine, which is neutral and non-polar, at codon 247 of the JPH2 protein (p.Ser247Gly).